The following is an entry in ClinVar:

ClinVar aggregate classification (germline): Uncertain significance. Review status: criteria provided, multiple submitters, no conflicts (2 of 4 stars). 4 submissions from 4 submitters: Uncertain significance (3). 1 of the submissions does not count toward it. Last evaluated 2023-12-21.

Conditions:
BBS9-related disorder. Also called: BBS9-related condition.
Bardet-Biedl syndrome (BBS). Identifiers: Orphanet 110, MedGen C0752166, MONDO:0015229.

Allele frequency attached by ClinVar (database versions not stated): gnomAD below 0.00001 and 0.00001; gnomAD exomes 0.00003 and 0.00006; TOPMed 0.00004; ExAC 0.00005.
gnomAD v4.1: 90 of 1,613,964 alleles (0.0056%); highest among the groups gnomAD compares: Non-Finnish European, 0.0065%; no homozygotes.

Submissions (4):

Labcorp Genetics (formerly Invitae), Labcorp
Classification: Uncertain significance for Bardet-Biedl syndrome. Last evaluated: 2023-12-21. Review status: criteria provided, single submitter. Criteria: Invitae Variant Classification Sherloc (09022015). Collection method: clinical testing. Allele origin: germline.
Comment: This sequence change replaces arginine, which is basic and polar, with tryptophan, which is neutral and slightly polar, at codon 679 of the BBS9 protein (p.Arg679Trp). This variant is present in population databases (rs749841788, gnomAD 0.006%). This variant has not been reported in the literature in individuals affected with BBS9-related conditions. ClinVar contains an entry for this variant (Variation ID: 837253). Advanced modeling of protein sequence and biophysical properties (such as structural, functional, and spatial information, amino acid conservation, physicochemical variation, residue mobility, and thermodynamic stability) performed at Invitae indicates that this missense variant is expected to disrupt BBS9 protein function with a positive predictive value of 80%. In summary, the available evidence is currently insufficient to determine the role of this variant in disease. Therefore, it has been classified as a Variant of Uncertain Significance.

GeneDx
Classification: Uncertain significance. Last evaluated: 2023-07-20. Review status: criteria provided, single submitter. Criteria: GeneDx Variant Classification Process June 2021. Collection method: clinical testing. Allele origin: germline. Affected: yes.
Comment: In silico analysis supports that this missense variant has a deleterious effect on protein structure/function; Identified as heterozygous in a family with autosomal dominant retinitis pigmentosa in published literature; however, variants in other genes were purported to explain the phenotype (Katagiri et al., 2014); This variant is associated with the following publications: (PMID: 25485142)

Blueprint Genetics
Classification: Uncertain significance. Last evaluated: 2021-06-24. Review status: criteria provided, single submitter. Criteria: ACMG Guidelines, 2015. Collection method: clinical testing. Allele origin: germline.

PreventionGenetics, part of Exact Sciences
Classification: Uncertain significance for BBS9-related condition. Last evaluated: 2024-09-12. Review status: no assertion criteria provided. Collection method: clinical testing. Allele origin: germline. Not counted in ClinVar's aggregate classification.
Comment: The BBS9 c.2035C>T variant is predicted to result in the amino acid substitution p.Arg679Trp. To our knowledge, this variant has not been reported in the literature. This variant is reported in 0.0058% of alleles in individuals of Latino descent in gnomAD. At this time, the clinical significance of this variant is uncertain due to the absence of conclusive functional and genetic evidence.

NM_198428.3(BBS9):c.2035C>T (p.Arg679Trp)

Gene: BBS9 (Bardet-Biedl syndrome 9; plus strand). Cytogenetic location: 7p14.3.
Variant type: single nucleotide variant.
Coding change: c.2035C>T on transcript NM_198428.3 (MANE Select); coding-DNA position 2035, C replaced by T.
Protein change: p.Arg679Trp; replaces arginine 679 with tryptophan.
Molecular consequence: missense variant. On other transcripts: non-coding transcript variant (3).
Genome position (GRCh38, 1-based): chr7:33,388,064, C>T. VCF-style: chr7-33388064-C-T. GRCh37 (hg19) VCF-style: chr7-33427676-C-T.
Other names: c.1930C>T, p.Arg644Trp (NM_001033604.2); c.2020C>T, p.Arg674Trp (NM_001033605.2); c.2035C>T, p.Arg679Trp (NM_001348036.1, NM_001348041.4, NM_001348043.3 and 1 more transcripts); c.1669C>T, p.Arg557Trp (NM_001348037.3, NM_001348045.3, NM_001348046.3); c.1762C>T, p.Arg588Trp (NM_001348038.3); c.1657C>T, p.Arg553Trp (NM_001348039.3); c.1915C>T, p.Arg639Trp (NM_001348040.3, NM_014451.4); c.1900C>T, p.Arg634Trp (NM_001348042.3); and 1 more; short protein forms R553W, R557W, R644W, R674W, R522W, R634W, R639W, R588W.
Identifiers: ClinVar variation 837253 (VCV000837253.10), dbSNP rs749841788, ClinGen allele CA4214582.